The following is an entry in ClinVar:

NM_000214.3(JAG1):c.846C>G (p.Cys282Trp)

Gene: JAG1 (jagged canonical Notch ligand 1; minus strand). Cytogenetic location: 20p12.2.
Variant type: single nucleotide variant.
Coding change: c.846C>G on transcript NM_000214.3 (MANE Select); coding-DNA position 846, C replaced by G.
Protein change: p.Cys282Trp; replaces cysteine 282 with tryptophan.
Molecular consequence: missense variant.
Genome position (GRCh38, 1-based): chr20:10,652,508, G>C on the plus strand (C>G on the coding strand, the complement: JAG1 is on the minus strand). VCF-style: chr20-10652508-G-C. GRCh37 (hg19) VCF-style: chr20-10633156-G-C.
Other names: short protein forms C282W.
Identifiers: ClinVar variation 3573129 (VCV003573129.2).

Conditions:
Arteriohepatic dysplasia. Also called: Alagille Syndrome. Identifiers: Orphanet 52, MedGen C0085280, MeSH D016738, MONDO:0007318.

Submission:

Gilbert/Spinner Lab, Children's Hospital of Philadelphia
No classification provided (evidence only). Condition: Alagille syndrome. Review status: no classification provided. Collection method: research. Allele origin: not applicable. Functional consequence: functionally_abnormal.
ClinVar note: "not provided" was previously submitted as the classification for the variant. However, the classification appeared to be based only on an observation of functional data so it was converted to no classification on 2025-07-30.